The following is an entry in ClinVar:

ClinVar aggregate classification (germline): Likely benign (1 of 4 stars; one submission).

Conditions:
Familial cancer of breast. Also called: BREAST CANCER, FAMILIAL; Hereditary breast cancer; hereditary breast carcinoma. Identifiers: Orphanet 227535, MedGen C0346153, MONDO:0016419, OMIM 114480. Disease mechanism: loss of function.

Submission:

Myriad Genetics, Inc.
Classification: Likely benign for Familial cancer of breast. Last evaluated: 2024-04-30. Review status: criteria provided, single submitter. Criteria: Myriad Autosomal Dominant, Autosomal Recessive and X-Linked Classification Criteria (2023). Collection method: clinical testing. Allele origin: unknown.
Comment: This variant is considered likely benign. This variant is intronic and is not expected to impact mRNA splicing.

NM_000051.4(ATM):c.1607+9_1607+11delinsTGA

Gene: ATM (ATM serine/threonine kinase; plus strand). Cytogenetic location: 11q22.3.
Variant type: Indel.
Coding change: c.1607+9_1607+11delinsTGA on transcript NM_000051.4 (MANE Select); bases 9 to 11 of the intron after coding-DNA position 1607, AGC replaced by TGA.
Molecular consequence: intron variant.
Genome position (GRCh38, 1-based): chr11:108,251,081-108,251,083, AGC replaced by TGA. VCF-style: chr11-108251081-AGC-TGA. GRCh37 (hg19) VCF-style: chr11-108121808-AGC-TGA.
Other names: c.1607+9_1607+11delinsTGA (NM_001351834.2).
Identifiers: ClinVar variation 3254102 (VCV003254102.1), dbSNP rs2497254736.